The following is an entry in ClinVar:

ClinVar aggregate classification (germline): Uncertain significance (1 of 4 stars; one submission).

Conditions:
Catecholaminergic polymorphic ventricular tachycardia (CVPT). Also called: Catecholamine-induced polymorphic ventricular tachycardia. Identifiers: Orphanet 3286, MedGen C5574922, MONDO:0017990.

gnomAD v4.1: 1 of 1,613,432 alleles (0.000062%); highest among the groups gnomAD compares: Non-Finnish European, 0.000085%; no homozygotes.

Submission:

All of Us Research Program, National Institutes of Health
Classification: Uncertain significance for Catecholaminergic polymorphic ventricular tachycardia. Last evaluated: 2024-07-20. Review status: criteria provided, single submitter. Criteria: ACMG Guidelines, 2015. Collection method: clinical testing. Allele origin: germline. Inheritance: Autosomal dominant inheritance. Observed: 1 variant allele, 1 heterozygote.
Comment: This missense variant replaces alanine with valine at codon 3331 of the RYR2 protein. Computational prediction suggests that this variant may not impact protein structure and function (internally defined REVEL score threshold <= 0.5, PMID: 27666373). To our knowledge, functional studies have not been reported for this variant. This variant has not been reported in individuals affected with RYR2-related disorders in the literature. This variant has been identified in 1/248296 chromosomes in the general population by the Genome Aggregation Database (gnomAD). The available evidence is insufficient to determine the role of this variant in disease conclusively. Therefore, this variant is classified as a Variant of Uncertain Significance.

This study involves interpretation of variants in research participants for the purpose of population health screening. Participant phenotype was not available at the time of variant classification. Additional details can be found in publication PMID: 35346344, PMCID: PMC8962531

NM_001035.3(RYR2):c.9992C>T (p.Ala3331Val)

Gene: RYR2 (ryanodine receptor 2; plus strand). Cytogenetic location: 1q43.
Variant type: single nucleotide variant.
Coding change: c.9992C>T on transcript NM_001035.3 (MANE Select); coding-DNA position 9992, C replaced by T.
Protein change: p.Ala3331Val; replaces alanine 3331 with valine.
Molecular consequence: missense variant.
Genome position (GRCh38, 1-based): chr1:237,708,948, C>T. VCF-style: chr1-237708948-C-T. GRCh37 (hg19) VCF-style: chr1-237872248-C-T.
Other names: short protein forms A3331V.
Identifiers: ClinVar variation 3385825 (VCV003385825.1).